The following is an entry in ClinVar:

NM_003718.5(CDK13):c.2457A>T (p.Arg819Ser)

Gene: CDK13 (cyclin dependent kinase 13; plus strand). Cytogenetic location: 7p14.1.
Variant type: single nucleotide variant.
Coding change: c.2457A>T on transcript NM_003718.5 (MANE Select); coding-DNA position 2457, A replaced by T.
Protein change: p.Arg819Ser; replaces arginine 819 with serine.
Molecular consequence: missense variant.
Genome position (GRCh38, 1-based): chr7:40,045,939, A>T. VCF-style: chr7-40045939-A-T. GRCh37 (hg19) VCF-style: chr7-40085538-A-T.
Other names: c.2457A>T, p.Arg819Ser (NM_031267.4); short protein forms R819S.
Identifiers: ClinVar variation 3602270 (VCV003602270.1).

ClinVar aggregate classification (germline): Uncertain significance (1 of 4 stars; one submission).

Submission:

GeneDx
Classification: Uncertain significance. Last evaluated: 2024-07-31. Review status: criteria provided, single submitter. Criteria: GeneDx Variant Classification Process June 2021. Collection method: clinical testing. Allele origin: germline. Affected: yes.
Comment: Not observed at significant frequency in large population cohorts (gnomAD); In silico analysis supports that this missense variant has a deleterious effect on protein structure/function; Has not been previously published as pathogenic or benign to our knowledge